The following is an entry in ClinVar:

ClinVar aggregate classification (germline): Uncertain significance. Review status: criteria provided, multiple submitters, no conflicts (2 of 4 stars). 2 submissions from 2 submitters: Uncertain significance (2). Last evaluated 2023-05-09.

Conditions:
Naxos disease (NXD). Also called: PALMOPLANTAR KERATODERMA WITH ARRHYTHMOGENIC RIGHT VENTRICULAR CARDIOMYOPATHY AND WOOLLY HAIR; WOOLLY HAIR, PALMOPLANTAR KERATODERMA, AND CARDIAC ABNORMALITIES; CARDIOMYOPATHY, ARRHYTHMOGENIC RIGHT VENTRICULAR, WITH SKIN, HAIR, AND NAIL ABNORMALITIES; KERATOSIS PALMOPLANTARIS WITH ARRHYTHMOGENIC CARDIOMYOPATHY; MAL DE NAXOS. Identifiers: Orphanet 34217, MedGen C1832600, MONDO:0011017, OMIM 601214.
Arrhythmogenic right ventricular dysplasia 12. Also called: ARRHYTHMOGENIC RIGHT VENTRICULAR DYSPLASIA, FAMILIAL, 12. Identifiers: MedGen C1969081, MONDO:0012684, OMIM 611528.

Allele frequency attached by ClinVar (database versions not stated): gnomAD exomes below 0.00001 and 0.00001; ExAC 0.00001; gnomAD 0.00001; TOPMed 0.00002.
gnomAD v4.1: 4 of 1,608,900 alleles (0.00025%); highest among the groups gnomAD compares: East Asian, 0.009%; no homozygotes.

Submissions (2):

Labcorp Genetics (formerly Invitae), Labcorp
Classification: Uncertain significance for Arrhythmogenic right ventricular dysplasia 12; Naxos disease. Last evaluated: 2023-05-09. Review status: criteria provided, single submitter. Criteria: Invitae Variant Classification Sherloc (09022015). Collection method: clinical testing. Allele origin: germline.
Comment: This sequence change replaces glutamine, which is neutral and polar, with glutamic acid, which is acidic and polar, at codon 536 of the JUP protein (p.Gln536Glu). This variant is present in population databases (rs782683108, gnomAD 0.02%). This variant has not been reported in the literature in individuals affected with JUP-related conditions. ClinVar contains an entry for this variant (Variation ID: 496449). An algorithm developed to predict the effect of missense changes on protein structure and function (PolyPhen-2) suggests that this variant is likely to be disruptive. In summary, the available evidence is currently insufficient to determine the role of this variant in disease. Therefore, it has been classified as a Variant of Uncertain Significance.

Women's Health and Genetics/Laboratory Corporation of America, LabCorp
Classification: Uncertain significance. Last evaluated: 2017-01-23. Review status: criteria provided, single submitter. Criteria: LabCorp Variant Classification Summary - May 2015. Collection method: clinical testing. Allele origin: germline.
Comment: Variant summary: The JUP c.1606C>G (p.Gln536Glu) variant located in the Armadillo-type fold domain (via InterPro) causes a missense change involving a conserved nucleotide, which 2/4 in silico tools predict a benign outcome, although these predictions have yet to be functionally assessed. The variant of interest was observed in the large, broad control population, ExAC, with an allele frequency of 1/81916, which does not exceed the estimated maximal expected allele frequency for a pathogenic JUP variant of 1/40000. The variant of interest has not, to our knowledge, been reported in affected individuals via publications and/or reputable databases/clinical diagnostic laboratories. Therefore, until additional information becomes available (ie, clinical and functional studies), the variant of interest has been classified as a "Variant of Uncertain Significance (VUS)."

NM_002230.4(JUP):c.1606C>G (p.Gln536Glu)

Gene: JUP (junction plakoglobin; minus strand). Cytogenetic location: 17q21.2.
Variant type: single nucleotide variant.
Coding change: c.1606C>G on transcript NM_002230.4 (MANE Select); coding-DNA position 1606, C replaced by G.
Protein change: p.Gln536Glu; replaces glutamine 536 with glutamic acid.
Molecular consequence: missense variant.
Genome position (GRCh38, 1-based): chr17:41,758,762, G>C on the plus strand (C>G on the coding strand, the complement: JUP is on the minus strand). VCF-style: chr17-41758762-G-C. GRCh37 (hg19) VCF-style: chr17-39915014-G-C.
Other names: c.1606C>G, p.Gln536Glu (NM_001352773.2, NM_001352774.2, NM_001352775.2 and 3 more transcripts); short protein forms Q536E.
Identifiers: ClinVar variation 496449 (VCV000496449.4), dbSNP rs782683108, ClinGen allele CA8565183.